The following is an entry in ClinVar:

ClinVar aggregate classification (germline): Likely pathogenic (1 of 4 stars; one submission).

Conditions:
Obesity due to leptin receptor gene deficiency. Identifiers: Orphanet 179494, MedGen C3554225, MONDO:0013992, OMIM 614963.

gnomAD v4.1: 4 of 1,610,446 alleles (0.00025%); highest among the groups gnomAD compares: Admixed American, 0.0017%; no homozygotes.

Submission:

Laboratorio de Genética, Hospital Universitario Reina Sofía
Classification: Likely pathogenic for Obesity due to leptin receptor gene deficiency. Last evaluated: 2021-08-13. Review status: criteria provided, single submitter. Criteria: ACMG Guidelines, 2015. Collection method: clinical testing. Allele origin: biparental, unknown. Inheritance: Autosomal recessive inheritance. Affected: yes and no. Observed: 3 variant alleles, 2 heterozygotes, 1 homozygote. Clinical features observed: Obesity (HP:0001513), Childhood onset (HP:0011463).
Comment: This variant is classified as Likely Pathogenic as it meets the following ACMG/AMP criteria: PM3 (Moderate), since NM_002303.6(LEPR):c.2357T>C (p.Leu786Pro) was identified in the proband in a homozygous state and parental studies show both parents are heterozygous carriers, consistent with the proband inheriting one variant allele from each parent (i.e., biallelic involvement in trans) in a gene causing an autosomal recessive disorder; PM2 (Moderate), as the variant is absent/extremely rare in population databases; and PP3 (Supporting), as computational predictions support a deleterious effect; additionally, this specific missense variant (p.Leu786Pro) has published in vitro functional evidence of loss of LEPR signaling (reduced/absent leptin-induced STAT3 activation), supporting PS3, and has been described in individuals with biallelic LEPR deficiency, strengthening pathogenicity for autosomal recessive leptin receptor deficiency.

NM_002303.6(LEPR):c.2357T>C (p.Leu786Pro)

Gene: LEPR (leptin receptor; plus strand). Cytogenetic location: 1p31.3.
Variant type: single nucleotide variant.
Coding change: c.2357T>C on transcript NM_002303.6 (MANE Select); coding-DNA position 2357, T replaced by C.
Protein change: p.Leu786Pro; replaces leucine 786 with proline.
Molecular consequence: missense variant.
Genome position (GRCh38, 1-based): chr1:65,618,108, T>C. VCF-style: chr1-65618108-T-C. GRCh37 (hg19) VCF-style: chr1-66083791-T-C.
Other names: c.2357T>C, p.Leu786Pro (NM_001003679.3, NM_001003680.3, NM_001198687.2 and 2 more transcripts); short protein forms L786P.
Identifiers: ClinVar variation 5016497 (VCV005016497.1).